The following is an entry in ClinVar:

ClinVar aggregate classification (germline): Uncertain significance. Review status: criteria provided, multiple submitters, no conflicts (2 of 4 stars). 4 submissions from 4 submitters: Uncertain significance (4). Last evaluated 2026-08-31.

Conditions:
COG4-related disorder. Also called: COG4-related condition.
COG4-congenital disorder of glycosylation. Also called: CONGENITAL DISORDER OF GLYCOSYLATION, TYPE IIj; CDG IIj; COG4-CDG. Identifiers: Orphanet 263501, MedGen C4303552, MONDO:0013281, OMIM 613489.

Allele frequency attached by ClinVar (database versions not stated): ExAC 0.00005; TOPMed 0.00013; gnomAD 0.00014.
gnomAD v4.1: 190 of 1,613,952 alleles (0.012%); highest among the groups gnomAD compares: Non-Finnish European, 0.015%; no homozygotes.

Submissions (4):

Institute of Human Genetics, University of Leipzig Medical Center
Classification: Uncertain significance for COG4-congenital disorder of glycosylation. Last evaluated: 2026-08-31. Review status: criteria provided, single submitter. Criteria: ACMG Guidelines, 2015. Collection method: clinical testing. Allele origin: maternal. Inheritance: Autosomal recessive inheritance. Affected: yes.
Comment: Criteria applied: PM2

PreventionGenetics, part of Exact Sciences
Classification: Uncertain significance for COG4-related condition. Last evaluated: 2023-08-29. Review status: criteria provided, single submitter. Criteria: ACMG Guidelines, 2015. Collection method: clinical testing. Allele origin: germline.
Comment: The COG4 c.1403G>A variant is predicted to result in the amino acid substitution p.Arg468Gln. To our knowledge, this variant has not been reported in the literature. This variant is reported in 0.012% of alleles in individuals of European (Non-Finnish) descent in gnomAD. At this time, the clinical significance of this variant is uncertain due to the absence of conclusive functional and genetic evidence.

Labcorp Genetics (formerly Invitae), Labcorp
Classification: Uncertain significance for COG4-congenital disorder of glycosylation. Last evaluated: 2020-12-24. Review status: criteria provided, single submitter. Criteria: Invitae Variant Classification Sherloc (09022015). Collection method: clinical testing. Allele origin: germline.
Comment: In summary, the available evidence is currently insufficient to determine the role of this variant in disease. Therefore, it has been classified as a Variant of Uncertain Significance. Algorithms developed to predict the effect of missense changes on protein structure and function are either unavailable or do not agree on the potential impact of this missense change (SIFT: "Tolerated"; PolyPhen-2: "Probably Damaging"; Align-GVGD: "Class C0"). This variant has not been reported in the literature in individuals with COG4-related conditions. This variant is present in population databases (rs200052272, ExAC 0.008%). This sequence change replaces arginine with glutamine at codon 468 of the COG4 protein (p.Arg468Gln). The arginine residue is highly conserved and there is a small physicochemical difference between arginine and glutamine.

GeneDx
Classification: Uncertain significance. Last evaluated: 2019-07-08. Review status: criteria provided, single submitter. Criteria: GeneDx Variant Classification Process June 2021. Collection method: clinical testing. Allele origin: germline. Affected: yes.
Comment: Not observed at a significant frequency in large population cohorts (Lek et al., 2016); In silico analysis, which includes protein predictors and evolutionary conservation, supports a deleterious effect; Has not been previously published as pathogenic or benign to our knowledge

NM_015386.3(COG4):c.1403G>A (p.Arg468Gln)

Gene: COG4 (component of oligomeric golgi complex 4; minus strand). Cytogenetic location: 16q22.1.
Variant type: single nucleotide variant.
Coding change: c.1403G>A on transcript NM_015386.3 (MANE Select); coding-DNA position 1403, G replaced by A.
Protein change: p.Arg468Gln; replaces arginine 468 with glutamine.
Molecular consequence: missense variant. On other transcripts: non-coding transcript variant (1).
Genome position (GRCh38, 1-based): chr16:70,497,299, C>T on the plus strand (G>A on the coding strand, the complement: COG4 is on the minus strand). VCF-style: chr16-70497299-C-T. GRCh37 (hg19) VCF-style: chr16-70531202-C-T.
Other names: c.1391G>A, p.Arg464Gln (NM_001195139.2); c.977G>A, p.Arg326Gln (NM_001365426.1); short protein forms R326Q, R464Q, R468Q.
Identifiers: ClinVar variation 1219310 (VCV001219310.12), dbSNP rs200052272, ClinGen allele CA8144338.